The following is an entry in ClinVar:

ClinVar aggregate classification (germline): Pathogenic. Review status: criteria provided, multiple submitters, no conflicts (2 of 4 stars). 7 submissions from 7 submitters: Pathogenic (5). 2 of the submissions do not count toward it. Last evaluated 2025-05-12.

Conditions:
Fanconi anemia (FA). Also called: Fanconi's anemia. Identifiers: Orphanet 84, MedGen C0015625, MeSH D005199, MONDO:0019391.
Fanconi anemia complementation group A (FANCA). Also called: Fanconi anemia, group A; FANCA-Related Fanconi Anemia. Identifiers: Orphanet 84, MedGen C3469521, MONDO:0009215, OMIM 227650.

Allele frequency attached by ClinVar (database versions not stated): gnomAD exomes below 0.00001; TOPMed below 0.00001; ExAC 0.00001; gnomAD 0.00001.
gnomAD v4.1: 6 of 1,613,758 alleles (0.00037%); highest among the groups gnomAD compares: South Asian, 0.0033%; no homozygotes.

Submissions (7):

Natera, Inc.
Classification: Pathogenic for Fanconi anemia. Last evaluated: 2025-05-12. Review status: criteria provided, single submitter. Criteria: Natera Variant Classification Schema (03/2026). Collection method: clinical testing. Allele origin: germline.
Comment: The c.2840C>G variant in FANCA is a nonsense variant predicted to introduce a stop codon at amino acid 947. This variant is expected to result in nonsense mediated decay, truncation, or a dysfunctional protein product. This variant is rare in the general population with a frequency below the threshold expected for the associated phenotype(s). This variant has been observed in one or more individuals affected with the associated recessive disease, as either homozygous or compound heterozygous with a second variant (PMID: 12955722, 19367192, 33088445). Given the available evidence, this variant is classified as Pathogenic.

Fulgent Genetics
Classification: Pathogenic for Fanconi anemia complementation group A. Last evaluated: 2024-06-18. Review status: criteria provided, single submitter. Criteria: ACMG Guidelines, 2015. Collection method: clinical testing. Allele origin: germline.

Baylor Genetics
Classification: Pathogenic for Fanconi anemia complementation group A. Last evaluated: 2024-03-30. Review status: criteria provided, single submitter. Criteria: ACMG Guidelines, 2015. Collection method: clinical testing. Allele origin: unknown.

Labcorp Genetics (formerly Invitae), Labcorp
Classification: Pathogenic for Fanconi anemia. Last evaluated: 2024-03-02. Review status: criteria provided, single submitter. Criteria: Invitae Variant Classification Sherloc (09022015). Collection method: clinical testing. Allele origin: germline.
Comment: This sequence change creates a premature translational stop signal (p.Ser947*) in the FANCA gene. It is expected to result in an absent or disrupted protein product. Loss-of-function variants in FANCA are known to be pathogenic (PMID: 19367192). This variant is present in population databases (rs745568821, gnomAD 0.003%). This premature translational stop signal has been observed in individual(s) with Fanconi anemia (PMID: 9371798, 12955722, 24584348, 29098742). ClinVar contains an entry for this variant (Variation ID: 558253). For these reasons, this variant has been classified as Pathogenic.

GeneDx
Classification: Pathogenic. Last evaluated: 2022-10-07. Review status: criteria provided, single submitter. Criteria: GeneDx Variant Classification Process June 2021. Collection method: clinical testing. Allele origin: germline. Affected: yes.
Comment: Nonsense variant predicted to result in protein truncation or nonsense mediated decay in a gene for which loss of function is a known mechanism of disease; Not observed at significant frequency in large population cohorts (gnomAD); This variant is associated with the following publications: (PMID: 29098742, 30792206, 9371798, 33088445, 12955722)

Leiden Open Variation Database
Classification: Pathogenic for Fanconi anemia complementation group A. Last evaluated: 2020-02-28. Review status: no assertion criteria provided. Collection method: curation. Allele origin: germline. Affected: yes. Not counted in ClinVar's aggregate classification.
Comment: Curator: Arleen D. Auerbach. Submitters to LOVD: Arleen D. Auerbach, Sue Richards.

Counsyl
Classification: Pathogenic for Fanconi anemia complementation group A. Last evaluated: 2018-05-10. Review status: no assertion criteria provided. Collection method: clinical testing. Allele origin: unknown. Not counted in ClinVar's aggregate classification.

Literature cited by the submitters: PubMed 12955722 (cited by 4 submitters); PubMed 19367192 (cited by Natera, Inc. and Labcorp Genetics (formerly Invitae), Labcorp); PubMed 33088445 (cited by Natera, Inc.); PubMed 9371798 (cited by Labcorp Genetics (formerly Invitae), Labcorp); PubMed 24584348 (cited by Labcorp Genetics (formerly Invitae), Labcorp); PubMed 29098742 (cited by Labcorp Genetics (formerly Invitae), Labcorp).

NM_000135.4(FANCA):c.2840C>G (p.Ser947Ter)

Gene: FANCA (FA complementation group A; minus strand). Cytogenetic location: 16q24.3.
Variant type: single nucleotide variant.
Coding change: c.2840C>G on transcript NM_000135.4 (MANE Select); coding-DNA position 2840, C replaced by G.
Protein change: p.Ser947Ter; replaces serine 947 with a stop codon.
Molecular consequence: nonsense.
Genome position (GRCh38, 1-based): chr16:89,761,961, G>C on the plus strand (C>G on the coding strand, the complement: FANCA is on the minus strand). VCF-style: chr16-89761961-G-C. GRCh37 (hg19) VCF-style: chr16-89828369-G-C.
Other names: c.2840C>G (LRG_495t1, NM_000135.3); c.2840C>G, p.Ser947Ter (NM_001286167.3); short protein forms S947*.
Identifiers: ClinVar variation 558253 (VCV000558253.20), dbSNP rs745568821, ClinGen allele CA8251487.